The following is an entry in ClinVar:

NM_033305.3(VPS13A):c.3812+1G>T

Gene: VPS13A (vacuolar protein sorting 13 homolog A; plus strand). Cytogenetic location: 9q21.2.
Variant type: single nucleotide variant.
Coding change: c.3812+1G>T on transcript NM_033305.3 (MANE Select); the canonical splice donor site of the intron after coding-DNA position 3812, G replaced by T.
Molecular consequence: splice donor variant.
Genome position (GRCh38, 1-based): chr9:77,295,847, G>T. VCF-style: chr9-77295847-G-T. GRCh37 (hg19) VCF-style: chr9-79910763-G-T.
Other names: c.3695+1G>T (NM_001018037.2); c.3812+1G>T (NM_015186.4, NM_001018038.3).
Identifiers: ClinVar variation 2842895 (VCV002842895.3), dbSNP rs2537897539, ClinGen allele CA373851124.

ClinVar aggregate classification (germline): Likely pathogenic (1 of 4 stars; one submission).

Submission:

Labcorp Genetics (formerly Invitae), Labcorp
Classification: Likely pathogenic. Last evaluated: 2023-03-04. Review status: criteria provided, single submitter. Criteria: Invitae Variant Classification Sherloc (09022015). Collection method: clinical testing. Allele origin: germline.
Comment: This sequence change affects a donor splice site in intron 33 of the VPS13A gene. It is expected to disrupt RNA splicing. Variants that disrupt the donor or acceptor splice site typically lead to a loss of protein function (PMID: 16199547), and loss-of-function variants in VPS13A are known to be pathogenic (PMID: 12404112, 21598378). This variant is not present in population databases (gnomAD no frequency). This variant has not been reported in the literature in individuals affected with VPS13A-related conditions. Algorithms developed to predict the effect of sequence changes on RNA splicing suggest that this variant may disrupt the consensus splice site. In summary, the currently available evidence indicates that the variant is pathogenic, but additional data are needed to prove that conclusively. Therefore, this variant has been classified as Likely Pathogenic.

Literature cited by the submitters: PubMed 16199547; PubMed 12404112; PubMed 21598378.